The following is an entry in ClinVar:

ClinVar aggregate classification (germline): Pathogenic (1 of 4 stars; one submission).

Conditions:
Developmental and epileptic encephalopathy, 53. Also called: Epileptic encephalopathy, early infantile, 53. Identifiers: MedGen C4479313, MONDO:0033362, OMIM 617389.
Early-onset Parkinson disease 20. Also called: PARKINSON DISEASE 20, AUTOSOMAL RECESSIVE EARLY-ONSET. Identifiers: Orphanet 391411, MedGen C3809824, MONDO:0014233, OMIM 615530.

Submission:

Labcorp Genetics (formerly Invitae), Labcorp
Classification: Pathogenic for Developmental and epileptic encephalopathy, 53; Early-onset Parkinson disease 20. Last evaluated: 2023-03-11. Review status: criteria provided, single submitter. Criteria: Invitae Variant Classification Sherloc (09022015). Collection method: clinical testing. Allele origin: germline.
Comment: This variant has not been reported in the literature in individuals affected with SYNJ1-related conditions. For these reasons, this variant has been classified as Pathogenic. This sequence change creates a premature translational stop signal (p.Lys3Argfs*58) in the SYNJ1 gene. It is expected to result in an absent or disrupted protein product. Loss-of-function variants in SYNJ1 are known to be pathogenic (PMID: 25316601, 27435091). This variant is not present in population databases (gnomAD no frequency).

Literature cited by the submitters: PubMed 25316601; PubMed 27435091.

NM_003895.4(SYNJ1):c.8del (p.Lys3fs)

Gene: SYNJ1 (synaptojanin 1; minus strand). Cytogenetic location: 21q22.11.
Variant type: Deletion.
Coding change: c.8del on transcript NM_003895.4; coding-DNA position 8, one base deleted (A; older notation c.8delA).
Protein change: p.Lys3fs; shifts the reading frame from lysine 3.
Molecular consequence: frameshift variant.
Genome position (GRCh38, 1-based): chr21:32,728,033, T deleted on the plus strand (A on the coding strand, the reverse complement: SYNJ1 is on the minus strand); the first of 2 consecutive T bases (chr21:32,728,033-32,728,034); deleting either gives the same sequence. VCF-style (leftmost placement, unchanged base first): chr21-32728032-CT-C. GRCh37 (hg19) VCF-style: chr21-34100343-CT-C.
Other names: short protein forms K3fs.
Identifiers: ClinVar variation 2945224 (VCV002945224.3), dbSNP rs2517088469, ClinGen allele CA2654273004.
Genomic context (GRCh38, chr21:32,728,032, plus strand): 5'-TCTCCCGCAGCCGCCGCCACAGCCGCCGGGAGCGTCACTTCCGCTCCAGCAGGCCCATCT[CT>C]TCCGCATTGCGCCGCGGCCGGGGGCGGAAGATCCGCCCCGCGCGAGGGAAGGGGCGGGGC-3'